The following is an entry in ClinVar:

ClinVar aggregate classification (germline): Likely pathogenic (1 of 4 stars; one submission).

Conditions:
Duchenne muscular dystrophy (DMD). Also called: MUSCULAR DYSTROPHY, PSEUDOHYPERTROPHIC PROGRESSIVE, DUCHENNE TYPE; Duchenne Muscular Dystrophy (DMD). Identifiers: Orphanet 98896, MedGen C0013264, MONDO:0010679, OMIM 310200.

Submission:

Labcorp Genetics (formerly Invitae), Labcorp
Classification: Likely pathogenic for Duchenne muscular dystrophy. Last evaluated: 2019-08-02. Review status: criteria provided, single submitter. Criteria: Invitae Variant Classification Sherloc (09022015). Collection method: clinical testing. Allele origin: germline.
Comment: This variant results in a copy number gain of the genomic region encompassing exons 53-62 of the DMD gene. While the exact position of this variant cannot be determined from this data, sub-genic copy number gains are generally in tandem (PMID: 25640679) and may result in an absent or disrupted protein product. Loss-of-function variants in DMD are known to be pathogenic (PMID: 16770791, 25007885). In summary, the currently available evidence indicates that the variant is pathogenic, but additional data are needed to prove that conclusively. Therefore, this variant has been classified as Likely Pathogenic.

Literature cited by the submitters: PubMed 25640679; PubMed 16770791; PubMed 25007885.

NC_000023.10:g.(?_31332523)_31697713dup

Gene: DMD (dystrophin; minus strand).
Variant type: Duplication.
Identifiers: ClinVar variation 1066252 (VCV001066252.2).